The following is an entry in ClinVar:

ClinVar aggregate classification (germline): Likely benign (0 of 4 stars; one submission).

Conditions:
NR1H4-related disorder. Also called: NR1H4-related condition.

Allele frequency attached by ClinVar (database versions not stated): gnomAD 0.00001; gnomAD exomes 0.00001; TOPMed 0.00001; ExAC 0.00003.
gnomAD v4.1: 24 of 1,613,870 alleles (0.0015%); highest among the groups gnomAD compares: Admixed American, 0.0067%; no homozygotes.

Submission:

PreventionGenetics, part of Exact Sciences
Classification: Likely benign for NR1H4-related condition. Last evaluated: 2021-05-08. Review status: no assertion criteria provided. Collection method: clinical testing. Allele origin: germline.
Comment: This variant is classified as likely benign based on ACMG/AMP sequence variant interpretation guidelines (Richards et al. 2015 PMID: 25741868, with internal and published modifications).

NM_001206979.2(NR1H4):c.446-7C>T

Gene: NR1H4 (nuclear receptor subfamily 1 group H member 4; plus strand). Cytogenetic location: 12q23.1.
Variant type: single nucleotide variant.
Coding change: c.446-7C>T on transcript NM_001206979.2 (MANE Select); 7 bases into the intron before coding-DNA position 446, C replaced by T.
Molecular consequence: intron variant.
Genome position (GRCh38, 1-based): chr12:100,532,451, C>T. VCF-style: chr12-100532451-C-T. GRCh37 (hg19) VCF-style: chr12-100926229-C-T.
Other names: c.446-7C>T (NM_001206977.2, NM_005123.4); c.446-2439C>T (NM_001206978.2); c.476-7C>T (NM_001206993.2, NM_001206992.2).
Identifiers: ClinVar variation 3031026 (VCV003031026.2), dbSNP rs748640636, ClinGen allele CA6739253.
Genomic context (GRCh38, chr12:100,532,451, plus strand): 5'-CCAAACCTGTTTTTTTCCTGAGAAGCTGTGAGAGGACTTTTTACACTTTTCAGTGTTTCT[C>T]CCACAGGTTTCTTCAGGAGAAGCATTACCAAAAACGCTGTGTACAAGTGTAAAAACGGGG-3'